The following is an entry in ClinVar:

NM_032119.4(ADGRV1):c.23-13C>G

Gene: ADGRV1 (adhesion G protein-coupled receptor V1; plus strand). Cytogenetic location: 5q14.3.
Variant type: single nucleotide variant.
Coding change: c.23-13C>G on transcript NM_032119.4 (MANE Select); 13 bases into the intron before coding-DNA position 23, C replaced by G.
Molecular consequence: intron variant.
Genome position (GRCh38, 1-based): chr5:90,614,822, C>G. VCF-style: chr5-90614822-C-G. GRCh37 (hg19) VCF-style: chr5-89910639-C-G.
Identifiers: ClinVar variation 666648 (VCV000666648.13), dbSNP rs567154907, ClinGen allele CA3338377.

ClinVar aggregate classification (germline): Likely benign. Review status: criteria provided, multiple submitters, no conflicts (2 of 4 stars). 3 submissions from 3 submitters: Likely benign (3). Last evaluated 2023-12-13.

Allele frequency attached by ClinVar (database versions not stated): gnomAD exomes 0.00001; ExAC 0.00003; gnomAD 0.00006 and 0.00007; TOPMed 0.00010; 1000 Genomes Project 30x 0.00016; 1000 Genomes Project 0.00020.
gnomAD v4.1: 20 of 1,575,480 alleles (0.0013%); highest among the groups gnomAD compares: African/African-American, 0.027%; no homozygotes.

Submissions (3):

Labcorp Genetics (formerly Invitae), Labcorp
Classification: Likely benign. Last evaluated: 2023-12-13. Review status: criteria provided, single submitter. Criteria: Invitae Variant Classification Sherloc (09022015). Collection method: clinical testing. Allele origin: germline.

Blueprint Genetics
Classification: Likely benign. Last evaluated: 2022-08-03. Review status: criteria provided, single submitter. Criteria: ACMG Guidelines, 2015. Collection method: clinical testing. Allele origin: germline.

Laboratory for Molecular Medicine, Mass General Brigham Personalized Medicine
Classification: Likely benign. Last evaluated: 2018-02-26. Review status: criteria provided, single submitter. Criteria: LMM Criteria. Collection method: clinical testing. Allele origin: germline. Observed: 1 variant allele.
Comment: c.23-13C>G in intron 1 of ADGRV1 (also known as GPR98 and USH2C): This variant is classified as likely benign because it is not located within the splice conse nsus sequence and splice prediction algorithms do not predict disruption of an e xisting splice site or creation of a new splice site. It has been identified in 6/22520 of African chromosomes by the Genome Aggregation Database (gnomAD; dbSNP rs567154907). ACMG/AMP Criteria applied: BP4, BP7.